The following is an entry in ClinVar:

NM_000368.5(TSC1):c.2299C>T (p.Gln767Ter)

Gene: TSC1 (TSC complex subunit 1; minus strand). Cytogenetic location: 9q34.13.
Variant type: single nucleotide variant.
Coding change: c.2299C>T on transcript NM_000368.5 (MANE Select); coding-DNA position 2299, C replaced by T.
Protein change: p.Gln767Ter; replaces glutamine 767 with a stop codon.
Molecular consequence: nonsense.
Genome position (GRCh38, 1-based): chr9:132,902,697, G>A on the plus strand (C>T on the coding strand, the complement: TSC1 is on the minus strand). VCF-style: chr9-132902697-G-A. GRCh37 (hg19) VCF-style: chr9-135778084-G-A.
Other names: c.2296C>T, p.Gln766Ter (NM_001162426.2); c.2146C>T, p.Gln716Ter (NM_001162427.2); c.1936C>T, p.Gln646Ter (NM_001362177.2); short protein forms Q767*, Q646*, Q716*, Q766*.
Identifiers: ClinVar variation 48936 (VCV000048936.6), dbSNP rs118203675, ClinGen allele CA006274.

ClinVar aggregate classification (germline): Pathogenic. Review status: criteria provided, single submitter (1 of 4 stars). 3 submissions from 3 submitters: Pathogenic (1). 2 of the submissions do not count toward it.

Conditions:
Tuberous sclerosis syndrome (TSC). Also called: Tuberous Sclerosis Complex; Tuberous sclerosis. Identifiers: Orphanet 805, MedGen C0041341, MONDO:0001734.
TSC1-related disorder. Also called: TSC1-related condition.
Tuberous sclerosis 1 (TSC1). Identifiers: Orphanet 805, MedGen C1854465, MONDO:0008612, OMIM 191100.

Submissions (3):

Juno Genomics, Hangzhou Juno Genomics, Inc
Classification: Pathogenic for Tuberous sclerosis 1. Review status: criteria provided, single submitter. Criteria: ACMG Guidelines, 2015. Collection method: clinical testing. Allele origin: germline. Affected: yes.
Comment: Absent from controls (or at extremely low frequency if recessive) in Genome Aggregation Database, Exome Sequencing Project, 1000 Genomes Project, or Exome Aggregation Consortium.;Null variant in a gene where loss of function (LOF) is a known mechanism of disease.;The prevalence of the variant in affected individuals is significantly increased compared to the prevalence in controls.

PreventionGenetics, part of Exact Sciences
Classification: Pathogenic for TSC1-related condition. Last evaluated: 2023-12-04. Review status: no assertion criteria provided. Collection method: clinical testing. Allele origin: germline. Not counted in ClinVar's aggregate classification.
Comment: The TSC1 c.2299C>T variant is predicted to result in premature protein termination (p.Gln767*). This variant was reported in an individual with tuberous sclerosis (Dabora et al. 2001. PubMed ID: 11112665). This variant has not been reported in a large population database, indicating this variant is rare. Nonsense variants in TSC1 are expected to be pathogenic. This variant is interpreted as pathogenic.

Tuberous sclerosis database (TSC1)
No classification provided. Condition: TSC. Review status: no classification provided. Criteria: Tuberous Sclerosis Database Assertion Criteria 2015. Collection method: curation. Allele origin: germline. Affected: yes. Not counted in ClinVar's aggregate classification.